The following is an entry in ClinVar:

ClinVar aggregate classification (germline): Uncertain significance (1 of 4 stars; one submission).

Conditions:
Hereditary cancer-predisposing syndrome. Also called: Tumor predisposition; Hereditary Cancer Syndrome; Hereditary neoplastic syndrome; Neoplastic Syndromes, Hereditary. Identifiers: Orphanet 140162, MedGen C0027672, MeSH D009386, MONDO:0015356.

Submission:

Ambry Genetics
Classification: Uncertain significance for Hereditary cancer-predisposing syndrome. Last evaluated: 2025-12-21. Review status: criteria provided, single submitter. Criteria: Ambry Variant Classification Scheme 2023. Collection method: clinical testing. Allele origin: germline.
Comment: The p.S411F variant (also known as c.1232C>T), located in coding exon 10 of the NBN gene, results from a C to T substitution at nucleotide position 1232. The serine at codon 411 is replaced by phenylalanine, an amino acid with highly dissimilar properties. This amino acid position is not well conserved in available vertebrate species. In addition, this alteration is predicted to be tolerated by in silico analysis. Since supporting evidence is limited at this time, the clinical significance of this alteration remains unclear.

NM_002485.5(NBN):c.1232C>T (p.Ser411Phe)

Gene: NBN (nibrin; minus strand). Cytogenetic location: 8q21.3.
Variant type: single nucleotide variant.
Coding change: c.1232C>T on transcript NM_002485.5 (MANE Select); coding-DNA position 1232, C replaced by T.
Protein change: p.Ser411Phe; replaces serine 411 with phenylalanine.
Molecular consequence: missense variant.
Genome position (GRCh38, 1-based): chr8:89,955,448, G>A on the plus strand (C>T on the coding strand, the complement: NBN is on the minus strand). VCF-style: chr8-89955448-G-A. GRCh37 (hg19) VCF-style: chr8-90967676-G-A.
Other names: c.986C>T, p.Ser329Phe (NM_001024688.3); short protein forms S411F, S329F.
Identifiers: ClinVar variation 1755882 (VCV001755882.4), dbSNP rs551032019, ClinGen allele CA371656306.